The following is an entry in ClinVar:

ClinVar aggregate classification (germline): Uncertain significance (1 of 4 stars; one submission).

Conditions:
Atrioventricular septal defect 4 (AVSD4). Identifiers: MedGen C3280781, MONDO:0013747, OMIM 614430.

Submission:

Labcorp Genetics (formerly Invitae), Labcorp
Classification: Uncertain significance for Atrioventricular septal defect 4. Last evaluated: 2023-05-08. Review status: criteria provided, single submitter. Criteria: Invitae Variant Classification Sherloc (09022015). Collection method: clinical testing. Allele origin: germline.
Comment: This sequence change replaces glutamine, which is neutral and polar, with leucine, which is neutral and non-polar, at codon 148 of the GATA4 protein (p.Gln148Leu). This variant is not present in population databases (gnomAD no frequency). This variant has not been reported in the literature in individuals affected with GATA4-related conditions. ClinVar contains an entry for this variant (Variation ID: 843559). Advanced modeling of protein sequence and biophysical properties (such as structural, functional, and spatial information, amino acid conservation, physicochemical variation, residue mobility, and thermodynamic stability) performed at Invitae indicates that this missense variant is not expected to disrupt GATA4 protein function. In summary, the available evidence is currently insufficient to determine the role of this variant in disease. Therefore, it has been classified as a Variant of Uncertain Significance.

NM_001308093.3(GATA4):c.443A>T (p.Gln148Leu)

Gene: GATA4 (GATA binding protein 4). Cytogenetic location: 8p23.1.
Variant type: single nucleotide variant.
Coding change: c.443A>T on transcript NM_001308093.3 (MANE Select); coding-DNA position 443, A replaced by T.
Protein change: p.Gln148Leu; replaces glutamine 148 with leucine.
Molecular consequence: missense variant. On other transcripts: intron variant (3).
Genome position (GRCh38, 1-based): chr8:11,708,755, A>T. VCF-style: chr8-11708755-A-T. GRCh37 (hg19) VCF-style: chr8-11566264-A-T.
Other names: c.443A>T, p.Gln148Leu (NM_002052.5); c.-6+7977A>T (NM_001308094.2); c.-3+741A>T (NM_001374274.1); c.-3+4451A>T (NM_001374273.1); short protein forms Q148L.
Identifiers: ClinVar variation 843559 (VCV000843559.9), dbSNP rs1800019742, ClinGen allele CA370309632.